The following is an entry in ClinVar:

ClinVar aggregate classification (germline): Uncertain significance (1 of 4 stars; one submission).

Allele frequency attached by ClinVar (database versions not stated): gnomAD exomes below 0.00001.

Submission:

Laboratory for Molecular Medicine, Mass General Brigham Personalized Medicine
Classification: Uncertain significance. Last evaluated: 2013-09-29. Review status: criteria provided, single submitter. Criteria: LMM Criteria. Collection method: clinical testing. Allele origin: germline. Observed: 1 variant allele.
Comment: Variant classified as Uncertain Significance - Favor Pathogenic. The 9278+2_9278 +3insT variant in CDH23 has not been reported in individuals with hearing loss o r in large population studies. This variant occurs in the 5? splice site and cau ses a divergence from the splice consensus sequence. In addition, computational tools predict altered splicing leading to an abnormal or absent protein. However , additional data is needed to confirm the impact of this variant on the normal splicing of the CDH23 gene. In summary, the clinical significance of this varian t cannot be determined with certainty; however, based upon the change to the spl ice consensus sequence caused by this variant and the computational predictions, we lean towards a more likely pathogenic role.

NM_022124.6(CDH23):c.9278+2dup

Gene: CDH23 (cadherin related 23; plus strand). Cytogenetic location: 10q22.1.
Variant type: Duplication.
Coding change: c.9278+2dup on transcript NM_022124.6 (MANE Select); the canonical splice donor site of the intron after coding-DNA position 9278, one base duplicated (T; older notation c.9278+2dupT).
Genome position (GRCh38, 1-based): chr10:71,811,592, T duplicated. VCF-style (leftmost placement, unchanged base first): chr10-71811591-G-GT. GRCh37 (hg19) VCF-style: chr10-73571348-G-GT.
Other names: c.2558+2dup (NM_001171933.1, NM_001171934.1).
Identifiers: ClinVar variation 162953 (VCV000162953.4), dbSNP rs727502935, ClinGen allele CA175532.